The following is an entry in ClinVar:

ClinVar aggregate classification (germline): Likely benign. Review status: criteria provided, multiple submitters, no conflicts (2 of 4 stars). 3 submissions from 3 submitters: Likely benign (3). Last evaluated 2025-10-29.

Conditions:
Vici syndrome (VICIS). Identifiers: Orphanet 1493, MedGen C1855772, MONDO:0009452, OMIM 242840.

Allele frequency attached by ClinVar (database versions not stated): ExAC 0.00002; gnomAD exomes 0.00002; ESP Exome Variant Server 0.00008.
gnomAD v4.1: 161 of 1,594,434 alleles (0.01%); highest among the groups gnomAD compares: Non-Finnish European, 0.014%; no homozygotes.

Submissions (3):

Labcorp Genetics (formerly Invitae), Labcorp
Classification: Likely benign for Vici syndrome. Last evaluated: 2025-10-29. Review status: criteria provided, single submitter. Criteria: Invitae Variant Classification Sherloc (09022015). Collection method: clinical testing. Allele origin: germline.

Women's Health and Genetics/Laboratory Corporation of America, LabCorp
Classification: Likely benign. Last evaluated: 2025-03-04. Review status: criteria provided, single submitter. Criteria: LabCorp Variant Classification Summary - May 2015. Collection method: clinical testing. Allele origin: germline.
Comment: Variant summary: EPG5 c.2257+11G>A alters a non-conserved nucleotide located at a position not widely known to affect splicing. The variant allele was found at a frequency of 1.7e-05 in 232460 control chromosomes (gnomAD). The available data on variant occurrences in the general population are insufficient to allow any conclusion about variant significance. To our knowledge, no occurrence of c.2257+11G>A in individuals affected with Vici Syndrome and no experimental evidence demonstrating its impact on protein function have been reported. ClinVar contains an entry for this variant (Variation ID: 1593355). Based on the evidence outlined above, the variant was classified as likely benign.

Blueprint Genetics
Classification: Likely benign. Last evaluated: 2024-01-08. Review status: criteria provided, single submitter. Criteria: ACMG Guidelines, 2015. Collection method: clinical testing. Allele origin: germline.

NM_020964.3(EPG5):c.2257+11G>A

Gene: EPG5 (ectopic P-granules 5 autophagy tethering factor; minus strand). Cytogenetic location: 18q21.1.
Variant type: single nucleotide variant.
Coding change: c.2257+11G>A on transcript NM_020964.3 (MANE Select); 11 bases into the intron after coding-DNA position 2257, G replaced by A.
Molecular consequence: intron variant.
Genome position (GRCh38, 1-based): chr18:45,934,798, C>T on the plus strand (G>A on the coding strand, the complement: EPG5 is on the minus strand). VCF-style: chr18-45934798-C-T. GRCh37 (hg19) VCF-style: chr18-43514764-C-T.
Identifiers: ClinVar variation 1593355 (VCV001593355.12), dbSNP rs375688315, ClinGen allele CA8949479.
Genomic context (GRCh38, chr18:45,934,798, plus strand): 5'-AAAATTAAGCCCTGAAGAGAAGCACAAAAAGATAGGGAGAGCTGGACGCCGACTGCTCGG[C>T]GGGGCTGTACCTTGGAGCTGCTGCTTGCACTGGGCGGGCTGCAGGGAGGAGGAGAGCTGC-3'